The following is an entry in ClinVar:

NM_080476.5(PIGU):c.62G>A (p.Arg21His)

Gene: PIGU (phosphatidylinositol glycan anchor biosynthesis class U; minus strand). Cytogenetic location: 20q11.22.
Variant type: single nucleotide variant.
Coding change: c.62G>A on transcript NM_080476.5 (MANE Select); coding-DNA position 62, G replaced by A.
Protein change: p.Arg21His; replaces arginine 21 with histidine.
Molecular consequence: missense variant.
Genome position (GRCh38, 1-based): chr20:34,677,024, C>T on the plus strand (G>A on the coding strand, the complement: PIGU is on the minus strand). VCF-style: chr20-34677024-C-T. GRCh37 (hg19) VCF-style: chr20-33264828-C-T.
Other names: short protein forms R21H.
Identifiers: ClinVar variation 2183585 (VCV002183585.1), dbSNP rs780998274, ClinGen allele CA9822789.

ClinVar aggregate classification (germline): Uncertain significance (1 of 4 stars; one submission).

Allele frequency attached by ClinVar (database versions not stated): TOPMed 0.00002; gnomAD exomes 0.00003; gnomAD 0.00005; ExAC 0.00016.
gnomAD v4.1: 54 of 1,582,030 alleles (0.0034%); highest among the groups gnomAD compares: Non-Finnish European, 0.0042%; no homozygotes.

Submission:

Labcorp Genetics (formerly Invitae), Labcorp
Classification: Uncertain significance. Last evaluated: 2022-08-29. Review status: criteria provided, single submitter. Criteria: Invitae Variant Classification Sherloc (09022015). Collection method: clinical testing. Allele origin: germline.
Comment: This sequence change replaces arginine, which is basic and polar, with histidine, which is basic and polar, at codon 21 of the PIGU protein (p.Arg21His). The frequency data for this variant in the population databases is considered unreliable, as metrics indicate poor data quality at this position in the gnomAD database. This variant has not been reported in the literature in individuals affected with PIGU-related conditions. Algorithms developed to predict the effect of missense changes on protein structure and function are either unavailable or do not agree on the potential impact of this missense change (SIFT: "Deleterious"; PolyPhen-2: "Probably Damaging"; Align-GVGD: "Class C0"). In summary, the available evidence is currently insufficient to determine the role of this variant in disease. Therefore, it has been classified as a Variant of Uncertain Significance.